The following is an entry in ClinVar:

ClinVar aggregate classification (germline): Conflicting classifications of pathogenicity. Review status: criteria provided, conflicting classifications (1 of 4 stars). 3 submissions from 3 submitters: Uncertain significance (1); Likely benign (2). Last evaluated 2025-12-24.

Conditions:
Inborn genetic diseases. Identifiers: MedGen C0950123, MeSH D030342.

Submissions (3):

Labcorp Genetics (formerly Invitae), Labcorp
Classification: Uncertain significance. Last evaluated: 2025-12-24. Review status: criteria provided, single submitter. Criteria: Invitae Variant Classification Sherloc (09022015). Collection method: clinical testing. Allele origin: germline.
Comment: This variant, c.135_140dup, results in the insertion of 2 amino acid(s) of the PPP2R5D protein (p.Pro46_Gln47dup), but otherwise preserves the integrity of the reading frame. This variant is present in population databases (rs751086210, gnomAD 0.03%). This variant has not been reported in the literature in individuals affected with PPP2R5D-related conditions. ClinVar contains an entry for this variant (Variation ID: 1201856). Experimental studies and prediction algorithms are not available or were not evaluated, and the functional significance of this variant is currently unknown. In summary, the available evidence is currently insufficient to determine the role of this variant in disease. Therefore, it has been classified as a Variant of Uncertain Significance.

GeneDx
Classification: Likely benign. Last evaluated: 2022-11-09. Review status: criteria provided, single submitter. Criteria: GeneDx Variant Classification Process June 2021. Collection method: clinical testing. Allele origin: germline. Affected: yes.
Comment: See Variant Classification Assertion Criteria.

Ambry Genetics
Classification: Likely benign for Inborn genetic diseases. Last evaluated: 2021-09-15. Review status: criteria provided, single submitter. Criteria: Ambry Variant Classification Scheme 2023. Collection method: clinical testing. Allele origin: germline.

NM_006245.4(PPP2R5D):c.117GCCCCA[5] (p.38PQ[6])

Gene: PPP2R5D (protein phosphatase 2 regulatory subunit B'delta; plus strand). Cytogenetic location: 6p21.1.
Variant type: Microsatellite.
Coding change: c.117GCCCCA[5] on transcript NM_006245.4 (MANE Select); five copies in a row of the 6-base unit GCCCCA starting at c.117; the reference has four copies in a row; one copy, 6 bases duplicated.
Protein change: p.38PQ[6].
Molecular consequence: inframe insertion. On other transcripts: 5 prime UTR variant (1), intron variant (1).
Genome position (GRCh38, 1-based): chr6:43,006,492-43,006,497, GCCCCA duplicated; duplicating any 6 consecutive bases within chr6:43,006,472-43,006,497 gives the same sequence; the position shown is the placement nearest the transcript's 3' end. VCF-style (leftmost placement, unchanged base first): chr6-43006471-G-GCAGCCC. GRCh37 (hg19) VCF-style: chr6-42974209-G-GCAGCCC.
Other names: c.-337GCCCCA[5] (NM_001270476.2); c.117GCCCCA[5], p.38PQ[6] (NM_180976.3); c.28-462CAGCCC[5] (NM_180977.3); c.135_140dupGCCCCA (NM_006245.3, NM_006245.2).
Identifiers: ClinVar variation 1201856 (VCV001201856.14), ClinGen allele CA3811754.